The following is an entry in ClinVar:

NM_001035.3(RYR2):c.4668G>A (p.Glu1556=)

Gene: RYR2 (ryanodine receptor 2; plus strand). Cytogenetic location: 1q43.
Variant type: single nucleotide variant.
Coding change: c.4668G>A on transcript NM_001035.3 (MANE Select); coding-DNA position 4668, G replaced by A.
Protein change: p.Glu1556=; no amino-acid change (glutamic acid 1556 retained).
Molecular consequence: synonymous variant.
Genome position (GRCh38, 1-based): chr1:237,602,096, G>A. VCF-style: chr1-237602096-G-A. GRCh37 (hg19) VCF-style: chr1-237765396-G-A.
Other names: c.4668G>A (NM_001035.2).
Identifiers: ClinVar variation 923642 (VCV000923642.13), dbSNP rs370332700, ClinGen allele CA086680.

ClinVar aggregate classification (germline): Likely benign. Review status: criteria provided, multiple submitters, no conflicts (2 of 4 stars). 4 submissions from 4 submitters: Likely benign (4). Last evaluated 2025-02-23.

Conditions:
Catecholaminergic polymorphic ventricular tachycardia (CVPT). Also called: Catecholamine-induced polymorphic ventricular tachycardia. Identifiers: Orphanet 3286, MedGen C5574922, MONDO:0017990.
Cardiovascular phenotype. Identifiers: MedGen CN230736.
Cardiomyopathy (CMYO). Also called: Cardiomyopathies. Identifiers: Orphanet 167848, MedGen C0878544, MONDO:0004994, HP:0001638. Inheritance: Various modes of inheritance.
Catecholaminergic polymorphic ventricular tachycardia 1. Also called: VENTRICULAR TACHYCARDIA, CATECHOLAMINERGIC POLYMORPHIC, 1, WITH OR WITHOUT ATRIAL DYSFUNCTION AND/OR DILATED CARDIOMYOPATHY; RYR2-Related Catecholaminergic Polymorphic Ventricular Tachycardia; VENTRICULAR TACHYCARDIA, STRESS-INDUCED POLYMORPHIC 1. Identifiers: Orphanet 3286, MedGen C1631597, MONDO:0011484, OMIM 604772.

Allele frequency attached by ClinVar (database versions not stated): ExAC 0.00001; gnomAD 0.00001; TOPMed 0.00002; ESP Exome Variant Server 0.00009.
gnomAD v4.1: 41 of 1,612,324 alleles (0.0025%); highest among the groups gnomAD compares: Non-Finnish European, 0.0031%; no homozygotes.

Submissions (4):

Ambry Genetics
Classification: Likely benign for Cardiovascular phenotype. Last evaluated: 2025-02-23. Review status: criteria provided, single submitter. Criteria: Ambry Variant Classification Scheme 2023. Collection method: clinical testing. Allele origin: germline.

Labcorp Genetics (formerly Invitae), Labcorp
Classification: Likely benign for Catecholaminergic polymorphic ventricular tachycardia 1. Last evaluated: 2025-01-13. Review status: criteria provided, single submitter. Criteria: Invitae Variant Classification Sherloc (09022015). Collection method: clinical testing. Allele origin: germline.

All of Us Research Program, National Institutes of Health
Classification: Likely benign for Catecholaminergic polymorphic ventricular tachycardia. Last evaluated: 2023-12-01. Review status: criteria provided, single submitter. Criteria: ACMG Guidelines, 2015. Collection method: clinical testing. Allele origin: germline. Inheritance: Autosomal dominant inheritance. Observed: 4 variant alleles, 4 heterozygotes.
Comment: This study involves interpretation of variants in research participants for the purpose of population health screening. Participant phenotype was not available at the time of variant classification. Additional details can be found in publication PMID: 35346344, PMCID: PMC8962531

Color Diagnostics, LLC DBA Color Health
Classification: Likely benign for Cardiomyopathy. Last evaluated: 2019-06-01. Review status: criteria provided, single submitter. Criteria: ACMG Guidelines, 2015. Collection method: clinical testing. Allele origin: germline.